The following is an entry in ClinVar:

ClinVar aggregate classification (germline): Uncertain significance (1 of 4 stars; one submission).

Submission:

Labcorp Genetics (formerly Invitae), Labcorp
Classification: Uncertain significance. Last evaluated: 2023-08-31. Review status: criteria provided, single submitter. Criteria: Invitae Variant Classification Sherloc (09022015). Collection method: clinical testing. Allele origin: germline.
Comment: Advanced modeling of protein sequence and biophysical properties (such as structural, functional, and spatial information, amino acid conservation, physicochemical variation, residue mobility, and thermodynamic stability) has been performed at Invitae for this missense variant, however the output from this modeling did not meet the statistical confidence thresholds required to predict the impact of this variant on ATP2A2 protein function. This variant has not been reported in the literature in individuals affected with ATP2A2-related conditions. This sequence change replaces alanine, which is neutral and non-polar, with valine, which is neutral and non-polar, at codon 303 of the ATP2A2 protein (p.Ala303Val). This variant is not present in population databases (gnomAD no frequency). In summary, the available evidence is currently insufficient to determine the role of this variant in disease. Therefore, it has been classified as a Variant of Uncertain Significance.

NM_170665.4(ATP2A2):c.908C>T (p.Ala303Val)

Gene: ATP2A2 (ATPase sarcoplasmic/endoplasmic reticulum Ca2+ transporting 2; plus strand). Cytogenetic location: 12q24.11.
Variant type: single nucleotide variant.
Coding change: c.908C>T on transcript NM_170665.4 (MANE Select); coding-DNA position 908, C replaced by T.
Protein change: p.Ala303Val; replaces alanine 303 with valine.
Molecular consequence: missense variant.
Genome position (GRCh38, 1-based): chr12:110,327,830, C>T. VCF-style: chr12-110327830-C-T. GRCh37 (hg19) VCF-style: chr12-110765635-C-T.
Other names: c.803C>T, p.Ala268Val (NM_001413013.1); c.908C>T, p.Ala303Val (NM_001413014.1, NM_001681.4); c.533C>T, p.Ala178Val (NM_001413015.1); short protein forms A268V, A303V, A178V.
Identifiers: ClinVar variation 2748857 (VCV002748857.3), dbSNP rs2548553766, ClinGen allele CA386667959.
Genomic context (GRCh38, chr12:110,327,830, plus strand): 5'-TTCATGGAGGGTCCTGGATCAGAGGTGCTATTTACTACTTTAAAATTGCAGTGGCCCTGG[C>T]TGTAGCAGCCATTCCTGAAGGTCTGCCTGCAGTCATCACCACCTGCCTGGCTCTTGGAAC-3'
Protein context (NP_733765.1, residues 293-313): IYYFKIAVAL[Ala303Val]VAAIPEGLPA